The following is an entry in ClinVar:

NM_001084.5(PLOD3):c.674C>A (p.Ala225Asp)

Gene: PLOD3 (procollagen-lysine,2-oxoglutarate 5-dioxygenase 3; minus strand). Cytogenetic location: 7q22.1.
Variant type: single nucleotide variant.
Coding change: c.674C>A on transcript NM_001084.5 (MANE Select); coding-DNA position 674, C replaced by A.
Protein change: p.Ala225Asp; replaces alanine 225 with aspartic acid.
Molecular consequence: missense variant.
Genome position (GRCh38, 1-based): chr7:101,215,094, G>T on the plus strand (C>A on the coding strand, the complement: PLOD3 is on the minus strand). VCF-style: chr7-101215094-G-T. GRCh37 (hg19) VCF-style: chr7-100858375-G-T.
Other names: short protein forms A225D.
Identifiers: ClinVar variation 2110082 (VCV002110082.4), dbSNP rs1798247323, ClinGen allele CA368623636.

ClinVar aggregate classification (germline): Uncertain significance (1 of 4 stars; one submission).

Submission:

Labcorp Genetics (formerly Invitae), Labcorp
Classification: Uncertain significance. Last evaluated: 2023-02-16. Review status: criteria provided, single submitter. Criteria: Invitae Variant Classification Sherloc (09022015). Collection method: clinical testing. Allele origin: germline.
Comment: This sequence change replaces alanine, which is neutral and non-polar, with aspartic acid, which is acidic and polar, at codon 225 of the PLOD3 protein (p.Ala225Asp). In summary, the available evidence is currently insufficient to determine the role of this variant in disease. Therefore, it has been classified as a Variant of Uncertain Significance. An algorithm developed to predict the effect of missense changes on protein structure and function (PolyPhen-2) suggests that this variant is likely to be disruptive. This variant has not been reported in the literature in individuals affected with PLOD3-related conditions. This variant is not present in population databases (gnomAD no frequency).